The following is an entry in ClinVar:

NM_024818.6(UBA5):c.989A>T (p.Glu330Val)

Genes: NPHP3-ACAD11 (NPHP3-ACAD11 readthrough (NMD candidate); minus strand), UBA5 (ubiquitin like modifier activating enzyme 5; plus strand). Cytogenetic location: 3q22.1.
Variant type: single nucleotide variant.
Coding change: c.989A>T on transcript NM_024818.6 (MANE Select); coding-DNA position 989, A replaced by T.
Protein change: p.Glu330Val; replaces glutamic acid 330 with valine.
Molecular consequence: missense variant.
Genome position (GRCh38, 1-based): chr3:132,675,645, A>T. VCF-style: chr3-132675645-A-T. GRCh37 (hg19) VCF-style: chr3-132394489-A-T.
Other names: c.821A>T, p.Glu274Val (NM_001320210.2, NM_198329.4); c.719A>T, p.Glu240Val (NM_001321238.2); c.653A>T, p.Glu218Val (NM_001321239.1); c.989A>T (NM_024818.3); short protein forms E218V, E274V, E240V, E330V.
Identifiers: ClinVar variation 1393117 (VCV001393117.5), dbSNP rs764732753, ClinGen allele CA2621503.

ClinVar aggregate classification (germline): Uncertain significance. Review status: criteria provided, multiple submitters, no conflicts (2 of 4 stars). 2 submissions from 2 submitters: Uncertain significance (2). Last evaluated 2024-11-15.

Conditions:
Inborn genetic diseases. Identifiers: MedGen C0950123, MeSH D030342.

Allele frequency attached by ClinVar (database versions not stated): gnomAD 0.00001; gnomAD exomes 0.00001 and 0.00002; TOPMed 0.00001; ExAC 0.00002.
gnomAD v4.1: 28 of 1,612,742 alleles (0.0017%); highest among the groups gnomAD compares: Non-Finnish European, 0.0022%; no homozygotes.

Submissions (2):

Ambry Genetics
Classification: Uncertain significance for Inborn genetic diseases. Last evaluated: 2024-11-15. Review status: criteria provided, single submitter. Criteria: Ambry Variant Classification Scheme 2023. Collection method: clinical testing. Allele origin: germline.

Labcorp Genetics (formerly Invitae), Labcorp
Classification: Uncertain significance. Last evaluated: 2022-07-12. Review status: criteria provided, single submitter. Criteria: Invitae Variant Classification Sherloc (09022015). Collection method: clinical testing. Allele origin: germline.
Comment: This sequence change replaces glutamic acid, which is acidic and polar, with valine, which is neutral and non-polar, at codon 330 of the UBA5 protein (p.Glu330Val). This variant is present in population databases (rs764732753, gnomAD 0.004%). This variant has not been reported in the literature in individuals affected with UBA5-related conditions. ClinVar contains an entry for this variant (Variation ID: 1393117). Algorithms developed to predict the effect of missense changes on protein structure and function are either unavailable or do not agree on the potential impact of this missense change (SIFT: "Not Available"; PolyPhen-2: "Benign"; Align-GVGD: "Not Available"). In summary, the available evidence is currently insufficient to determine the role of this variant in disease. Therefore, it has been classified as a Variant of Uncertain Significance.